The following is an entry in ClinVar:

NM_182916.3(TRNT1):c.376C>T (p.Arg126Trp)

Gene: TRNT1 (tRNA nucleotidyl transferase 1; plus strand). Cytogenetic location: 3p26.2.
Variant type: single nucleotide variant.
Coding change: c.376C>T on transcript NM_182916.3 (MANE Select); coding-DNA position 376, C replaced by T.
Protein change: p.Arg126Trp; replaces arginine 126 with tryptophan.
Molecular consequence: missense variant. On other transcripts: non-coding transcript variant (6).
Genome position (GRCh38, 1-based): chr3:3,140,543, C>T. VCF-style: chr3-3140543-C-T. GRCh37 (hg19) VCF-style: chr3-3182227-C-T.
Other names: c.376C>T, p.Arg126Trp (NM_001302946.2, NM_001367321.1, NM_001367322.1 and 1 more transcripts); short protein forms R126W.
Identifiers: ClinVar variation 970632 (VCV000970632.4), dbSNP rs780385153, ClinGen allele CA2228632.

ClinVar aggregate classification (germline): Uncertain significance (1 of 4 stars; one submission).

Conditions:
Congenital sideroblastic anemia-B-cell immunodeficiency-periodic fever-developmental delay syndrome. Also called: Sideroblastic anemia with B-cell immunodeficiency, periodic fevers, and developmental delay. Identifiers: Orphanet 369861, MedGen C4015172, MONDO:0014487, OMIM 616084.

Allele frequency attached by ClinVar (database versions not stated): TOPMed below 0.00001; gnomAD exomes 0.00001; ExAC 0.00002.
gnomAD v4.1: 19 of 1,613,994 alleles (0.0012%); highest among the groups gnomAD compares: Admixed American, 0.0017%; no homozygotes.

Submission:

Labcorp Genetics (formerly Invitae), Labcorp
Classification: Uncertain significance for Congenital sideroblastic anemia-B-cell immunodeficiency-periodic fever-developmental delay syndrome. Last evaluated: 2022-02-24. Review status: criteria provided, single submitter. Criteria: Invitae Variant Classification Sherloc (09022015). Collection method: clinical testing. Allele origin: germline.
Comment: This sequence change replaces arginine, which is basic and polar, with tryptophan, which is neutral and slightly polar, at codon 126 of the TRNT1 protein (p.Arg126Trp). This variant is present in population databases (rs780385153, gnomAD 0.006%). This variant has not been reported in the literature in individuals affected with TRNT1-related conditions. ClinVar contains an entry for this variant (Variation ID: 970632). Algorithms developed to predict the effect of missense changes on protein structure and function (SIFT, PolyPhen-2, Align-GVGD) all suggest that this variant is likely to be disruptive. In summary, the available evidence is currently insufficient to determine the role of this variant in disease. Therefore, it has been classified as a Variant of Uncertain Significance.